The following is an entry in ClinVar:

NM_005045.4(RELN):c.6727A>G (p.Ser2243Gly)

Gene: RELN (reelin; minus strand). Cytogenetic location: 7q22.1.
Variant type: single nucleotide variant.
Coding change: c.6727A>G on transcript NM_005045.4 (MANE Select); coding-DNA position 6727, A replaced by G.
Protein change: p.Ser2243Gly; replaces serine 2243 with glycine.
Molecular consequence: missense variant.
Genome position (GRCh38, 1-based): chr7:103,540,400, T>C on the plus strand (A>G on the coding strand, the complement: RELN is on the minus strand). VCF-style: chr7-103540400-T-C. GRCh37 (hg19) VCF-style: chr7-103180847-T-C.
Other names: c.6727A>G, p.Ser2243Gly (NM_173054.3); short protein forms S2243G.
Identifiers: ClinVar variation 2937612 (VCV002937612.3), dbSNP rs767650784, ClinGen allele CA4420890.

ClinVar aggregate classification (germline): Uncertain significance (1 of 4 stars; one submission).

Conditions:
Norman-Roberts syndrome (LIS2). Also called: Lissencephaly 2 (Norman-Roberts type). Identifiers: Orphanet 89844, MedGen C0796089, MONDO:0009760, OMIM 257320.
Familial temporal lobe epilepsy 7. Identifiers: Orphanet 101046, MedGen C4225327, MONDO:0014639, OMIM 616436.

Allele frequency attached by ClinVar (database versions not stated): ExAC 0.00001; gnomAD 0.00001; gnomAD exomes 0.00001; TOPMed 0.00001.
gnomAD v4.1: 12 of 1,614,014 alleles (0.00074%); highest among the groups gnomAD compares: Non-Finnish European, 0.00085%; no homozygotes.

Submission:

Labcorp Genetics (formerly Invitae), Labcorp
Classification: Uncertain significance for Familial temporal lobe epilepsy 7; Norman-Roberts syndrome. Last evaluated: 2025-08-18. Review status: criteria provided, single submitter. Criteria: Invitae Variant Classification Sherloc (09022015). Collection method: clinical testing. Allele origin: germline.
Comment: This sequence change replaces serine, which is neutral and polar, with glycine, which is neutral and non-polar, at codon 2243 of the RELN protein (p.Ser2243Gly). This variant is present in population databases (rs767650784, gnomAD 0.0009%). This variant has not been reported in the literature in individuals affected with RELN-related conditions. ClinVar contains an entry for this variant (Variation ID: 2937612). Invitae Evidence Modeling of protein sequence and biophysical properties (such as structural, functional, and spatial information, amino acid conservation, physicochemical variation, residue mobility, and thermodynamic stability) indicates that this missense variant is not expected to disrupt RELN protein function with a negative predictive value of 80%. In summary, the available evidence is currently insufficient to determine the role of this variant in disease. Therefore, it has been classified as a Variant of Uncertain Significance.